The following is an entry in ClinVar:

NM_000270.4(PNP):c.473G>A (p.Arg158His)

Gene: PNP (purine nucleoside phosphorylase; plus strand). Cytogenetic location: 14q11.2.
Variant type: single nucleotide variant.
Coding change: c.473G>A on transcript NM_000270.4 (MANE Select); coding-DNA position 473, G replaced by A.
Protein change: p.Arg158His; replaces arginine 158 with histidine.
Molecular consequence: missense variant.
Genome position (GRCh38, 1-based): chr14:20,475,073, G>A. VCF-style: chr14-20475073-G-A. GRCh37 (hg19) VCF-style: chr14-20943232-G-A.
Other names: short protein forms R158H.
Identifiers: ClinVar variation 1382641 (VCV001382641.6), dbSNP rs1014717549, ClinGen allele CA389145481.

ClinVar aggregate classification (germline): Uncertain significance (1 of 4 stars; one submission).

Conditions:
Purine-nucleoside phosphorylase deficiency. Also called: NUCLEOSIDE PHOSPHORYLASE DEFICIENCY; Immunodeficiency due to purine nucleoside phosphorylase deficiency. Identifiers: Orphanet 760, MedGen C0268125, MONDO:0013171, OMIM 613179.

Allele frequency attached by ClinVar (database versions not stated): gnomAD exomes below 0.00001; gnomAD 0.00001.
gnomAD v4.1: 9 of 1,614,066 alleles (0.00056%); highest among the groups gnomAD compares: Admixed American, 0.0033%; no homozygotes.

Submission:

Labcorp Genetics (formerly Invitae), Labcorp
Classification: Uncertain significance for Purine-nucleoside phosphorylase deficiency. Last evaluated: 2023-12-30. Review status: criteria provided, single submitter. Criteria: Invitae Variant Classification Sherloc (09022015). Collection method: clinical testing. Allele origin: germline.
Comment: This sequence change replaces arginine, which is basic and polar, with histidine, which is basic and polar, at codon 158 of the PNP protein (p.Arg158His). This variant is present in population databases (no rsID available, gnomAD 0.003%). This variant has not been reported in the literature in individuals affected with PNP-related conditions. ClinVar contains an entry for this variant (Variation ID: 1382641). Advanced modeling of protein sequence and biophysical properties (such as structural, functional, and spatial information, amino acid conservation, physicochemical variation, residue mobility, and thermodynamic stability) performed at Invitae indicates that this missense variant is expected to disrupt PNP protein function with a positive predictive value of 80%. In summary, the available evidence is currently insufficient to determine the role of this variant in disease. Therefore, it has been classified as a Variant of Uncertain Significance.